The following is an entry in ClinVar:

ClinVar aggregate classification (germline): Uncertain significance. Review status: criteria provided, multiple submitters, no conflicts (2 of 4 stars). 2 submissions from 2 submitters: Uncertain significance (2). Last evaluated 2025-08-17.

Conditions:
Isolated focal cortical dysplasia type II (FCORD2). Also called: Focal cortical dysplasia type II; CORTICAL DYSPLASIA OF TAYLOR. Identifiers: Orphanet 268994, MedGen C1846385, MONDO:0011818, OMIM 607341, HP:0032051.
Tuberous sclerosis 1 (TSC1). Identifiers: Orphanet 805, MedGen C1854465, MONDO:0008612, OMIM 191100.

Submissions (2):

Labcorp Genetics (formerly Invitae), Labcorp
Classification: Uncertain significance for Tuberous sclerosis 1. Last evaluated: 2025-08-17. Review status: criteria provided, single submitter. Criteria: Invitae Variant Classification Sherloc (09022015). Collection method: clinical testing. Allele origin: germline.
Comment: This sequence change replaces proline, which is neutral and non-polar, with serine, which is neutral and polar, at codon 358 of the TSC1 protein (p.Pro358Ser). This variant is not present in population databases (gnomAD no frequency). This variant has not been reported in the literature in individuals affected with TSC1-related conditions. ClinVar contains an entry for this variant (Variation ID: 2897677). Invitae Evidence Modeling of protein sequence and biophysical properties (such as structural, functional, and spatial information, amino acid conservation, physicochemical variation, residue mobility, and thermodynamic stability) indicates that this missense variant is not expected to disrupt TSC1 protein function with a negative predictive value of 95%. In summary, the available evidence is currently insufficient to determine the role of this variant in disease. Therefore, it has been classified as a Variant of Uncertain Significance.

Baylor Genetics
Classification: Uncertain significance for Isolated focal cortical dysplasia type II. Last evaluated: 2024-01-23. Review status: criteria provided, single submitter. Criteria: ACMG Guidelines, 2015. Collection method: clinical testing. Allele origin: unknown.

NM_000368.5(TSC1):c.1072C>T (p.Pro358Ser)

Gene: TSC1 (TSC complex subunit 1; minus strand). Cytogenetic location: 9q34.13.
Variant type: single nucleotide variant.
Coding change: c.1072C>T on transcript NM_000368.5 (MANE Select); coding-DNA position 1072, C replaced by T.
Protein change: p.Pro358Ser; replaces proline 358 with serine.
Molecular consequence: missense variant. On other transcripts: non-coding transcript variant (5).
Genome position (GRCh38, 1-based): chr9:132,911,071, G>A on the plus strand (C>T on the coding strand, the complement: TSC1 is on the minus strand). VCF-style: chr9-132911071-G-A. GRCh37 (hg19) VCF-style: chr9-135786458-G-A.
Other names: c.1072C>T, p.Pro358Ser (NM_001162426.2, NM_001406592.1, NM_001406593.1 and 16 more transcripts); c.919C>T, p.Pro307Ser (NM_001162427.2, NM_001406610.1, NM_001406611.1 and 2 more transcripts); c.709C>T, p.Pro237Ser (NM_001362177.2, NM_001406621.1, NM_001406622.1 and 10 more transcripts); c.121C>T, p.Pro41Ser (NM_001406626.1, NM_001406627.1, NM_001406628.1); c.22C>T, p.Pro8Ser (NM_001406629.1, NM_001406630.1); short protein forms P8S, P237S, P358S, P307S, P41S.
Identifiers: ClinVar variation 2897677 (VCV002897677.4), dbSNP rs1845931311, ClinGen allele CA375367677.
Genomic context (GRCh38, chr9:132,911,071, plus strand): 5'-CAAAGACTTTACTGTAAGGGTGTGACAGATCAGGTGGGACATTTCCAGGAGAAGTTGGAG[G>A]AGTGGTCATACCACAAACCATAGATGGGCTCCAAAGAGTAGCCTGGGAAGTTAATAAAGT-3'
Protein context (NP_000359.1, residues 348-368): SPSMVCGMTT[Pro358Ser]PTSPGNVPPD